The following is an entry in ClinVar:

NM_000478.6(ALPL):c.358G>T (p.Gly120Trp)

Gene: ALPL (alkaline phosphatase, biomineralization associated; plus strand). Cytogenetic location: 1p36.12.
Variant type: single nucleotide variant.
Coding change: c.358G>T on transcript NM_000478.6 (MANE Select); coding-DNA position 358, G replaced by T.
Protein change: p.Gly120Trp; replaces glycine 120 with tryptophan.
Molecular consequence: missense variant.
Genome position (GRCh38, 1-based): chr1:21,563,170, G>T. VCF-style: chr1-21563170-G-T. GRCh37 (hg19) VCF-style: chr1-21889663-G-T.
Other names: c.193G>T, p.Gly65Trp (NM_001127501.4); c.127G>T, p.Gly43Trp (NM_001177520.3); c.358G>T, p.Gly120Trp (NM_001369803.2, NM_001369804.2, NM_001369805.2); short protein forms G120W, G43W, G65W.
Identifiers: ClinVar variation 3339630 (VCV003339630.1).

ClinVar aggregate classification (germline): Uncertain significance (1 of 4 stars; one submission).

Submission:

Women's Health and Genetics/Laboratory Corporation of America, LabCorp
Classification: Uncertain significance. Last evaluated: 2024-06-10. Review status: criteria provided, single submitter. Criteria: LabCorp Variant Classification Summary - May 2015. Collection method: clinical testing. Allele origin: germline.
Comment: Variant summary: ALPL c.358G>T (p.Gly120Trp) results in a non-conservative amino acid change in the encoded protein sequence. Five of five in-silico tools predict a damaging effect of the variant on protein function. The variant was absent in 251114 control chromosomes. The available data on variant occurrences in the general population are insufficient to allow any conclusion about variant significance. To our knowledge, no occurrence of c.358G>T in individuals affected with Hypophosphatasia and no experimental evidence demonstrating its impact on protein function have been reported. No submitters have cited clinical-significance assessments for this variant to ClinVar. Based on the evidence outlined above, the variant was classified as uncertain significance.